The following is an entry in ClinVar:

ClinVar aggregate classification (germline): Uncertain significance (1 of 4 stars; one submission).

Conditions:
Gamma-aminobutyric acid transaminase deficiency (GABATD). Also called: 4 alpha aminobutyrate transaminase deficiency; GABA transaminase deficiency; Gamma aminobutyrate transaminase deficiency; GABA aminotransaminase deficiency. Identifiers: Orphanet 2066, MedGen C0342708, MONDO:0013166, OMIM 613163.

Allele frequency attached by ClinVar (database versions not stated): gnomAD exomes below 0.00001.

Submission:

Labcorp Genetics (formerly Invitae), Labcorp
Classification: Uncertain significance for Gamma-aminobutyric acid transaminase deficiency. Last evaluated: 2022-07-21. Review status: criteria provided, single submitter. Criteria: Invitae Variant Classification Sherloc (09022015). Collection method: clinical testing. Allele origin: germline.
Comment: This sequence change replaces arginine, which is basic and polar, with cysteine, which is neutral and slightly polar, at codon 475 of the ABAT protein (p.Arg475Cys). This variant is present in population databases (rs776500196, gnomAD 0.0009%). This variant has not been reported in the literature in individuals affected with ABAT-related conditions. Algorithms developed to predict the effect of missense changes on protein structure and function are either unavailable or do not agree on the potential impact of this missense change (SIFT: "Deleterious"; PolyPhen-2: "Probably Damaging"; Align-GVGD: "Class C0"). In summary, the available evidence is currently insufficient to determine the role of this variant in disease. Therefore, it has been classified as a Variant of Uncertain Significance.

NM_020686.6(ABAT):c.1423C>T (p.Arg475Cys)

Gene: ABAT (4-aminobutyrate aminotransferase; plus strand). Cytogenetic location: 16p13.2.
Variant type: single nucleotide variant.
Coding change: c.1423C>T on transcript NM_020686.6 (MANE Select); coding-DNA position 1423, C replaced by T.
Protein change: p.Arg475Cys; replaces arginine 475 with cysteine.
Molecular consequence: missense variant. On other transcripts: synonymous variant (2).
Genome position (GRCh38, 1-based): chr16:8,781,350, C>T. VCF-style: chr16-8781350-C-T. GRCh37 (hg19) VCF-style: chr16-8875207-C-T.
Other names: c.1423C>T, p.Arg475Cys (NM_000663.5, NM_001127448.2, NM_001386600.1 and 4 more transcripts); c.1384C>T, p.Arg462Cys (NM_001386605.1); c.1360C>T, p.Arg454Cys (NM_001386606.1, NM_001386607.1); c.1330C>T, p.Arg444Cys (NM_001386608.1); c.1311C>T, p.Ser437= (NM_001386609.1); c.1288C>T, p.Arg430Cys (NM_001386610.1, NM_001386611.1); c.1225C>T, p.Arg409Cys (NM_001386612.1, NM_001386613.1); c.1177C>T, p.Arg393Cys (NM_001386614.1); and 2 more; short protein forms R393C, R409C, R430C, R444C, R454C, R462C, R475C, R507C.
Identifiers: ClinVar variation 1721389 (VCV001721389.3), dbSNP rs776500196, ClinGen allele CA277475951.